The following is an entry in ClinVar:

NM_033305.3(VPS13A):c.1305G>A (p.Trp435Ter)

Gene: VPS13A (vacuolar protein sorting 13 homolog A; plus strand). Cytogenetic location: 9q21.2.
Variant type: single nucleotide variant.
Coding change: c.1305G>A on transcript NM_033305.3 (MANE Select); coding-DNA position 1305, G replaced by A.
Protein change: p.Trp435Ter; replaces tryptophan 435 with a stop codon.
Molecular consequence: nonsense.
Genome position (GRCh38, 1-based): chr9:77,226,546, G>A. VCF-style: chr9-77226546-G-A. GRCh37 (hg19) VCF-style: chr9-79841462-G-A.
Other names: c.1305G>A, p.Trp435Ter (NM_001018037.2, NM_001018038.3, NM_015186.4); short protein forms W435*.
Identifiers: ClinVar variation 37235 (VCV000037235.2), dbSNP rs761923202, ClinGen allele CA373845250.

ClinVar aggregate classification (germline): Pathogenic. Review status: criteria provided, single submitter (1 of 4 stars). 2 submissions from 2 submitters: Pathogenic (1). 1 of the submissions does not count toward it. Last evaluated 2024-05-14.

Conditions:
VPS13A-related neurodegenerative disease. Also called: Choreaacanthocytosis; VPS13A Disease; LEVINE-CRITCHLEY SYNDROME; Choreoacanthocytosis; Chorea-acanthocytosis; ACANTHOCYTOSIS WITH NEUROLOGIC DISORDER. Identifiers: Orphanet 2388, MedGen C0393576, MONDO:0008695, OMIM 200150.

Submissions (2):

Myriad Genetics, Inc.
Classification: Pathogenic for VPS13A-related neurodegenerative disease. Last evaluated: 2024-05-14. Review status: criteria provided, single submitter. Criteria: Myriad Autosomal Dominant, Autosomal Recessive and X-Linked Classification Criteria (2023). Collection method: clinical testing. Allele origin: unknown.
Comment: NM_033305.2(VPS13A):c.1305G>A(W435*) is expected to be pathogenic in the context of VPS13A disease. This variant is predicted to lead to an abnormal or absent protein product due to the creation of a premature termination codon in VPS13A, a gene where loss-of-function variants are known to be pathogenic. Please note: this variant was assessed in the context of healthy population screening.

OMIM
Classification: Pathogenic for CHOREOACANTHOCYTOSIS. Last evaluated: 2011-07-01. Review status: no assertion criteria provided. Collection method: literature only. Allele origin: germline. Not counted in ClinVar's aggregate classification.

Literature cited by the submitters: PubMed 21598378 (cited by OMIM).